The following is an entry in ClinVar:

ClinVar aggregate classification (germline): Pathogenic (1 of 4 stars; one submission).

Submission:

Clinical Genomics Laboratory, Laboratory for Precision Diagnostics, University of Washington
Classification: Pathogenic. Last evaluated: 2025-02-07. Review status: criteria provided, single submitter. Criteria: ACMG/ClinGen CNV Guidelines, 2019. Collection method: clinical testing. Allele origin: unknown. Affected: yes. Observed: 1 variant allele.
Comment: This interstitial duplication is approximately 620 kb in size and contains 30 protein-coding genes. It contains the entirety of the proximal 16p11.2 (BP4-BP5) recurrent microduplication, which is established to be pathogenic but with variable expressivity and incomplete penetrance. The recurrent proximal 16p11.2 (BP4-BP5) duplication is associated with small head size, delay in developing speech and language, being underweight, and seizures. Mild to moderate intellectual disability, autism spectrum disorder (ASD), and schizophrenia also occur more commonly in people with this duplication, compared to the general population. However, some people with this duplication have no developmental or cognitive differences or health problems related to the duplication, and this duplication does appear in healthy control populations (gnomAD v4.1 GD_16P11.2-BP4-BP5__DUP).

Literature cited by the submitters: PubMed 39048645; PubMed 38948459; PubMed 32993859.

GRCh38/hg38 16p11.2(chr16:29584162-30204300)x3

Genes: ALDOA (aldolase, fructose-bisphosphate A; plus strand), ASPHD1 (aspartate beta-hydroxylase domain containing 1; plus strand), BOLA2B (bolA family member 2B; minus strand), C16orf54 (chromosome 16 open reading frame 54; minus strand), CDIPT (CDP-diacylglycerol--inositol 3-phosphatidyltransferase; minus strand) and 108 more. Cytogenetic location: 16p11.2.
Variant type: copy number gain.
Change: copy number 3 (three copies instead of two) of chr16:29,584,162-30,204,300 (620.1 kb, GRCh38 coordinates, 1-based), cytogenetic band 16p11.2.
Identifiers: ClinVar variation 5038307 (VCV005038307.1).